The following is an entry in ClinVar:

ClinVar aggregate classification (germline): Uncertain significance (1 of 4 stars; one submission).

Submission:

Labcorp Genetics (formerly Invitae), Labcorp
Classification: Uncertain significance. Last evaluated: 2025-10-01. Review status: criteria provided, single submitter. Criteria: Invitae Variant Classification Sherloc (09022015). Collection method: clinical testing. Allele origin: germline.
Comment: This sequence change replaces proline, which is neutral and non-polar, with threonine, which is neutral and polar, at codon 1838 of the COL7A1 protein (p.Pro1838Thr). This variant is not present in population databases (gnomAD no frequency). This variant has not been reported in the literature in individuals affected with COL7A1-related conditions. Invitae Evidence Modeling of protein sequence and biophysical properties (such as structural, functional, and spatial information, amino acid conservation, physicochemical variation, residue mobility, and thermodynamic stability) has been performed for this missense variant. However, the output from this modeling did not meet the statistical confidence thresholds required to predict the impact of this variant on COL7A1 protein function. In summary, the available evidence is currently insufficient to determine the role of this variant in disease. Therefore, it has been classified as a Variant of Uncertain Significance.

NM_000094.4(COL7A1):c.5512C>A (p.Pro1838Thr)

Gene: COL7A1 (collagen type VII alpha 1 chain; minus strand). Cytogenetic location: 3p21.31.
Variant type: single nucleotide variant.
Coding change: c.5512C>A on transcript NM_000094.4 (MANE Select); coding-DNA position 5512, C replaced by A.
Protein change: p.Pro1838Thr; replaces proline 1838 with threonine.
Molecular consequence: missense variant.
Genome position (GRCh38, 1-based): chr3:48,578,341, G>T on the plus strand (C>A on the coding strand, the complement: COL7A1 is on the minus strand). VCF-style: chr3-48578341-G-T. GRCh37 (hg19) VCF-style: chr3-48615774-G-T.
Other names: short protein forms P1838T.
Identifiers: ClinVar variation 4801661 (VCV004801661.1).